The following is an entry in ClinVar:

NM_006944.3(SPP2):c.210+1G>A

Gene: SPP2 (secreted phosphoprotein 2; plus strand). Cytogenetic location: 2q37.1.
Variant type: single nucleotide variant.
Coding change: c.210+1G>A on transcript NM_006944.3 (MANE Select); the canonical splice donor site of the intron after coding-DNA position 210, G replaced by A.
Molecular consequence: splice donor variant.
Genome position (GRCh38, 1-based): chr2:234,051,096, G>A. VCF-style: chr2-234051096-G-A. GRCh37 (hg19) VCF-style: chr2-234959740-G-A.
Identifiers: ClinVar variation 857400 (VCV000857400.7), dbSNP rs953292820, ClinGen allele CA67654270.

ClinVar aggregate classification (germline): Uncertain significance. Review status: criteria provided, multiple submitters, no conflicts (2 of 4 stars). 2 submissions from 2 submitters: Uncertain significance (2). Last evaluated 2021-09-03.

Allele frequency attached by ClinVar (database versions not stated): gnomAD exomes below 0.00001 and 0.00001; TOPMed 0.00002; gnomAD 0.00003.
gnomAD v4.1: 14 of 1,613,080 alleles (0.00087%); highest among the groups gnomAD compares: South Asian, 0.0033%; no homozygotes.

Submissions (2):

Labcorp Genetics (formerly Invitae), Labcorp
Classification: Uncertain significance. Last evaluated: 2021-09-03. Review status: criteria provided, single submitter. Criteria: Invitae Variant Classification Sherloc (09022015). Collection method: clinical testing. Allele origin: germline.
Comment: This sequence change affects a donor splice site in intron 2 of the SPP2 gene. It is expected to disrupt RNA splicing and likely results in an absent or disrupted protein product. This variant is not present in population databases (ExAC no frequency). This variant has not been reported in the literature in individuals with SPP2-related conditions. Algorithms developed to predict the effect of sequence changes on RNA splicing suggest that this variant may disrupt the consensus splice site, but this prediction has not been confirmed by published transcriptional studies. The current clinical and genetic evidence is not sufficient to establish whether loss-of-function variants in SPP2 cause disease. In summary, the available evidence is currently insufficient to determine the role of this variant in disease. Therefore, it has been classified as a Variant of Uncertain Significance.

Blueprint Genetics
Classification: Uncertain significance. Last evaluated: 2019-12-05. Review status: criteria provided, single submitter. Criteria: ACMG Guidelines, 2015. Collection method: clinical testing. Allele origin: germline.